The following is an entry in ClinVar:

NM_001330588.2(TPP2):c.2020+3A>G

Gene: TPP2 (tripeptidyl peptidase 2; plus strand). Cytogenetic location: 13q33.1.
Variant type: single nucleotide variant.
Coding change: c.2020+3A>G on transcript NM_001330588.2 (MANE Select); 3 bases into the intron after coding-DNA position 2020, A replaced by G.
Molecular consequence: intron variant.
Genome position (GRCh38, 1-based): chr13:102,640,379, A>G. VCF-style: chr13-102640379-A-G. GRCh37 (hg19) VCF-style: chr13-103292729-A-G.
Other names: c.2020+3A>G (LRG_1341t1, NM_001367947.1, NM_003291.4).
Identifiers: ClinVar variation 655382 (VCV000655382.6), dbSNP rs1595176285, ClinGen allele CA915948916.

ClinVar aggregate classification (germline): Uncertain significance (1 of 4 stars; one submission).

Conditions:
Evans syndrome, immunodeficiency, and premature immunosenescence associated with tripeptidyl-peptidase II deficiency. Identifiers: MedGen CN231723. Disease mechanism: loss of function.

Submission:

Labcorp Genetics (formerly Invitae), Labcorp
Classification: Uncertain significance for Evans syndrome, immunodeficiency, and premature immunosenescence associated with tripeptidyl-peptidase II deficiency. Last evaluated: 2018-09-20. Review status: criteria provided, single submitter. Criteria: Invitae Variant Classification Sherloc (09022015). Collection method: clinical testing. Allele origin: germline.
Comment: This sequence change falls in intron 16 of the TPP2 gene. It does not directly change the encoded amino acid sequence of the TPP2 protein, but it affects a nucleotide within the consensus splice site of the intron. This variant is not present in population databases (ExAC no frequency). This variant has not been reported in the literature in individuals with TPP2-related disease. Nucleotide substitutions within the consensus splice site are a relatively common cause of aberrant splicing (PMID: 17576681, 9536098). Algorithms developed to predict the effect of sequence changes on RNA splicing suggest that this variant may disrupt the consensus splice site, but this prediction has not been confirmed by published transcriptional studies. In summary, the available evidence is currently insufficient to determine the role of this variant in disease. Therefore, it has been classified as a Variant of Uncertain Significance.

Literature cited by the submitters: PubMed 17576681; PubMed 9536098.